The following is an entry in ClinVar:

ClinVar aggregate classification (germline): Uncertain significance (1 of 4 stars; one submission).

Submission:

Labcorp Genetics (formerly Invitae), Labcorp
Classification: Uncertain significance. Last evaluated: 2025-03-17. Review status: criteria provided, single submitter. Criteria: Invitae Variant Classification Sherloc (09022015). Collection method: clinical testing. Allele origin: germline.
Comment: This sequence change replaces methionine, which is neutral and non-polar, with isoleucine, which is neutral and non-polar, at codon 107 of the EFEMP1 protein (p.Met107Ile). This variant is present in population databases (no rsID available, gnomAD 0.0009%). This variant has not been reported in the literature in individuals affected with EFEMP1-related conditions. An algorithm developed to predict the effect of missense changes on protein structure and function (PolyPhen-2) suggests that this variant is likely to be tolerated. In summary, the available evidence is currently insufficient to determine the role of this variant in disease. Therefore, it has been classified as a Variant of Uncertain Significance.

NM_001039348.3(EFEMP1):c.321G>A (p.Met107Ile)

Gene: EFEMP1 (EGF-like fibulin extracellular matrix protein 1; minus strand). Cytogenetic location: 2p16.1.
Variant type: single nucleotide variant.
Coding change: c.321G>A on transcript NM_001039348.3 (MANE Select); coding-DNA position 321, G replaced by A.
Protein change: p.Met107Ile; replaces methionine 107 with isoleucine.
Molecular consequence: missense variant.
Genome position (GRCh38, 1-based): chr2:55,917,861, C>T on the plus strand (G>A on the coding strand, the complement: EFEMP1 is on the minus strand). VCF-style: chr2-55917861-C-T. GRCh37 (hg19) VCF-style: chr2-56144996-C-T.
Other names: c.321G>A, p.Met107Ile (NM_001039349.3); short protein forms M107I.
Identifiers: ClinVar variation 3690740 (VCV003690740.2).